The following is an entry in ClinVar:

ClinVar aggregate classification (germline): Uncertain significance. Review status: criteria provided, single submitter (1 of 4 stars). 5 submissions from 1 submitter: Uncertain significance (1). 4 of the submissions do not count toward it. Last evaluated 2022-08-31.

Conditions:
Nance-Horan syndrome (NHS). Identifiers: Orphanet 627, MedGen C0796085, MONDO:0010545, OMIM 302350.
Coffin-Lowry syndrome (CLS). Also called: COFFIN-LOWRY SYNDROME, MILD; Mental retardation with osteocartilaginous abnormalities. Identifiers: Orphanet 192, MedGen C0265252, MONDO:0010561, OMIM 303600.
Intellectual developmental disorder, X-linked 19. Also called: Intellectual disability, X-linked 19. Identifiers: Orphanet 777, MedGen C0796225, MONDO:0010447, OMIM 300844.
Developmental and epileptic encephalopathy, 2 (DEE2). Also called: INFANTILE SPASM SYNDROME, X-LINKED 2; CDKL5 deficiency disorder. Identifiers: Orphanet 1934, Orphanet 3451, Orphanet 505652, MedGen C4750718, MONDO:0010396, OMIM 300672.
Angelman syndrome-like. Identifiers: MedGen CN128785.
Glycogen storage disease IXa1. Also called: LIVER GLYCOGENOSIS, X-LINKED, TYPE I; GLYCOGEN STORAGE DISEASE VIII; GSD VIII; Glycogen storage disease 8. Identifiers: Orphanet 264580, MedGen C3694531, MONDO:0010598, OMIM 306000.

Submissions (5):

Labcorp Genetics (formerly Invitae), Labcorp
Classification: Uncertain significance for Developmental and epileptic encephalopathy, 2; Angelman syndrome-like. Last evaluated: 2022-08-31. Review status: criteria provided, single submitter. Criteria: Invitae Variant Classification Sherloc (09022015). Collection method: clinical testing. Allele origin: germline.
Comment: A copy number gain of the genomic region encompassing the full coding sequence of the CDKL5 gene has been identified. The boundaries of this event are unknown as they extend beyond the assayed region for this gene and therefore may encompass additional genes. As the precise location of this event is unknown, it may be in tandem or it may be located elsewhere in the genome. Isolated whole-gene copy number gains of CDKL5 have not been reported in the literature. However, larger copy number events that include this gene have been reported (PMID: 18076117, 25315662). A similar copy number variant has been observed in at least one individual who was not affected with CDKL5-related conditions (Invitae). In summary, the available evidence is currently insufficient to determine the role of this variant in disease. Therefore, it has been classified as a Variant of Uncertain Significance.

Labcorp Genetics (formerly Invitae), Labcorp
Classification: Uncertain significance for Glycogen storage disease IXa1. Last evaluated: 2022-09-02. Review status: flagged submission. Criteria: Invitae Variant Classification Sherloc (09022015). Collection method: clinical testing. Allele origin: germline. Not counted in ClinVar's aggregate classification.
Comment: A copy number gain of the genomic region encompassing the full coding sequence of the PHKA2 gene has been identified. The boundaries of this event are unknown as they extend beyond the assayed region for this gene and therefore may encompass additional genes. As the precise location of this event is unknown, it may be in tandem or it may be located elsewhere in the genome. This variant has not been reported in the literature in individuals affected with PHKA2-related conditions. In summary, the available evidence is currently insufficient to determine the role of this variant in disease. Therefore, it has been classified as a Variant of Uncertain Significance.
ClinVar note: Reason: This record appears to be redundant with a more recent record from the same submitter.
ClinVar note: Notes: SCV003792081 appears to be redundant with SCV001539817.

Labcorp Genetics (formerly Invitae), Labcorp
Classification: Uncertain significance for Coffin-Lowry syndrome; Intellectual developmental disorder, X-linked 19. Last evaluated: 2022-07-12. Review status: flagged submission. Criteria: Invitae Variant Classification Sherloc (09022015). Collection method: clinical testing. Allele origin: germline. Not counted in ClinVar's aggregate classification.
Comment: A copy number gain of the genomic region encompassing the full coding sequence of the RPS6KA3 gene has been identified. The boundaries of this event are unknown as they extend beyond the assayed region for this gene and therefore may encompass additional genes. As the precise location of this event is unknown, it may be in tandem or it may be located elsewhere in the genome. Isolated whole-gene copy number gains of RPS6KA3 have not been reported in the literature. However, larger copy number events that include this gene have been reported (PMID: 17304053, 30945684). In summary, the available evidence is currently insufficient to determine the role of this variant in disease. Therefore, it has been classified as a Variant of Uncertain Significance.
ClinVar note: Reason: This record appears to be redundant with a more recent record from the same submitter.
ClinVar note: Notes: SCV003793816 appears to be redundant with SCV001539817.

Labcorp Genetics (formerly Invitae), Labcorp
Classification: Uncertain significance for Nance-Horan syndrome. Last evaluated: 2022-07-12. Review status: flagged submission. Criteria: Invitae Variant Classification Sherloc (09022015). Collection method: clinical testing. Allele origin: germline. Not counted in ClinVar's aggregate classification.
Comment: A copy number gain of the genomic region encompassing the full coding sequence of the NHS gene has been identified. The boundaries of this event are unknown as they extend beyond the assayed region for this gene and therefore may encompass additional genes. As the precise location of this event is unknown, it may be in tandem or it may be located elsewhere in the genome. This variant has not been reported in the literature in individuals affected with NHS-related conditions. In summary, the available evidence is currently insufficient to determine the role of this variant in disease. Therefore, it has been classified as a Variant of Uncertain Significance.
ClinVar note: Reason: This record appears to be redundant with a more recent record from the same submitter.
ClinVar note: Notes: SCV003795278 appears to be redundant with SCV001539817.

Labcorp Genetics (formerly Invitae), Labcorp
Classification: Uncertain significance. Last evaluated: 2022-07-12. Review status: flagged submission. Criteria: Invitae Variant Classification Sherloc (09022015). Collection method: clinical testing. Allele origin: germline. Not counted in ClinVar's aggregate classification.
Comment: A gross deletion of the genomic region encompassing the full coding sequence of the SH3KBP1 gene has been identified. The current clinical and genetic evidence is not sufficient to establish whether loss-of-function variants in SH3KBP1 cause disease. The boundaries of this event are unknown as they extend beyond the assayed region for this gene and therefore may encompass additional genes. This variant has not been reported in the literature in individuals affected with SH3KBP1-related conditions. In summary, the available evidence is currently insufficient to determine the role of this variant in disease. Therefore, it has been classified as a Variant of Uncertain Significance.
ClinVar note: Reason: This record appears to be redundant with a more recent record from the same submitter.
ClinVar note: Notes: SCV003795678 appears to be redundant with SCV001539817.

Literature cited by the submitters: PubMed 18076117; PubMed 25315662; PubMed 17304053; PubMed 30945684.

NC_000023.10:g.(?_17393881)_(20284750_?)dup

Genes: ADGRG2 (adhesion G protein-coupled receptor G2; minus strand), BCLAF3 (BCLAF1 and THRAP3 family member 3; minus strand), BEND2 (BEN domain containing 2; minus strand), CDKL5 (cyclin dependent kinase like 5; plus strand), EIF1AX (eukaryotic translation initiation factor 1A X-linked; minus strand) and 12 more. Cytogenetic location: Xp22.13-22.12.
Variant type: Duplication.
Identifiers: ClinVar variation 1041824 (VCV001041824.7).